The following is an entry in ClinVar:

NM_000352.6(ABCC8):c.1355T>A (p.Leu452His)

Gene: ABCC8 (ATP binding cassette subfamily C member 8; minus strand). Cytogenetic location: 11p15.1.
Variant type: single nucleotide variant.
Coding change: c.1355T>A on transcript NM_000352.6 (MANE Select); coding-DNA position 1355, T replaced by A.
Protein change: p.Leu452His; replaces leucine 452 with histidine.
Molecular consequence: missense variant. On other transcripts: non-coding transcript variant (1).
Genome position (GRCh38, 1-based): chr11:17,443,290, A>T on the plus strand (T>A on the coding strand, the complement: ABCC8 is on the minus strand). VCF-style: chr11-17443290-A-T. GRCh37 (hg19) VCF-style: chr11-17464837-A-T.
Other names: c.1355T>A, p.Leu452His (NM_001287174.3, NM_001351295.2); c.1352T>A, p.Leu451His (NM_001351296.2, NM_001351297.2); short protein forms L452H, L451H.
Identifiers: ClinVar variation 4983471 (VCV004983471.1).
Genomic context (GRCh38, chr11:17,443,290, plus strand): 5'-GGAGCCAGTAGAATGATGACAGCTGCTCCAATTAAGGCACTGACTCCGAGTATGTAGTAG[A>T]GGAGAATCACACCCACAATGATCTGAGGAAGGGGTCATGGGTCAGGTCCCTTTGACCTGA-3'
Protein context (NP_000343.2, residues 442-462): PVQIIVGVIL[Leu452His]YYILGVSALI

ClinVar aggregate classification (germline): Uncertain significance (1 of 4 stars; one submission).

Conditions:
ABCC8-related disorder.

Submission:

PreventionGenetics, part of Exact Sciences
Classification: Uncertain significance for ABCC8-related condition. Last evaluated: 2025-12-18. Review status: criteria provided, single submitter. Criteria: ACMG Guidelines, 2015. Collection method: clinical testing. Allele origin: germline.
Comment: The ABCC8 c.1355T>A variant is predicted to result in the amino acid substitution p.Leu452His. To our knowledge, this variant has not been reported in the literature or in a large population database (gnomAD), indicating this variant is rare. At this time, the clinical significance of this variant is uncertain due to the absence of conclusive functional and genetic evidence.